The following is an entry in ClinVar:

NM_015959.4(TMX2):c.612G>A (p.Thr204=)

Genes: TMX2 (thioredoxin related transmembrane protein 2; plus strand), TMX2-CTNND1 (TMX2-CTNND1 readthrough (NMD candidate); plus strand). Cytogenetic location: 11q12.1.
Variant type: single nucleotide variant.
Coding change: c.612G>A on transcript NM_015959.4 (MANE Select); coding-DNA position 612, G replaced by A.
Protein change: p.Thr204=; no amino-acid change (threonine 204 retained).
Molecular consequence: synonymous variant. On other transcripts: non-coding transcript variant (3), intron variant (1).
Genome position (GRCh38, 1-based): chr11:57,739,037, G>A. VCF-style: chr11-57739037-G-A. GRCh37 (hg19) VCF-style: chr11-57506509-G-A.
Other names: c.498G>A, p.Thr166= (NM_001144012.3); c.612G>A, p.Thr204= (NM_001347890.2); c.528G>A, p.Thr176= (NM_001347891.2); c.405G>A, p.Thr135= (NM_001347892.2); c.330G>A, p.Thr110= (NM_001347893.2, NM_001347894.2, NM_001347895.2 and 1 more transcripts); c.603+9G>A (NM_001347898.2).
Identifiers: ClinVar variation 3358836 (VCV003358836.1).

ClinVar aggregate classification (germline): Likely benign (0 of 4 stars; one submission).

Conditions:
TMX2-related disorder. Also called: TMX2-related condition.

gnomAD v4.1: 55 of 1,613,906 alleles (0.0034%); highest among the groups gnomAD compares: South Asian, 0.035%; 1 homozygote.

Submission:

PreventionGenetics, part of Exact Sciences
Classification: Likely benign for TMX2-related condition. Last evaluated: 2024-06-05. Review status: no assertion criteria provided. Collection method: clinical testing. Allele origin: germline.
Comment: This variant is classified as likely benign based on ACMG/AMP sequence variant interpretation guidelines (Richards et al. 2015 PMID: 25741868, with internal and published modifications).